The following is an entry in ClinVar:

ClinVar aggregate classification (germline): Uncertain significance (1 of 4 stars; one submission).

Submission:

Labcorp Genetics (formerly Invitae), Labcorp
Classification: Uncertain significance. Last evaluated: 2023-07-17. Review status: criteria provided, single submitter. Criteria: Invitae Variant Classification Sherloc (09022015). Collection method: clinical testing. Allele origin: germline.
Comment: In summary, the available evidence is currently insufficient to determine the role of this variant in disease. Therefore, it has been classified as a Variant of Uncertain Significance. Algorithms developed to predict the effect of sequence changes on RNA splicing suggest that this variant may disrupt the consensus splice site. ClinVar contains an entry for this variant (Variation ID: 1901236). This variant has not been reported in the literature in individuals affected with SLC25A21-related conditions. This variant is not present in population databases (gnomAD no frequency). This sequence change affects an acceptor splice site in intron 6 of the SLC25A21 gene. It is expected to disrupt RNA splicing. Variants that disrupt the donor or acceptor splice site typically lead to a loss of protein function (PMID: 16199547), however the current clinical and genetic evidence is not sufficient to establish whether loss-of-function variants in SLC25A21 cause disease.

Literature cited by the submitters: PubMed 16199547.

NM_030631.4(SLC25A21):c.439-2A>T

Gene: SLC25A21 (solute carrier family 25 member 21; minus strand). Cytogenetic location: 14q13.3.
Variant type: single nucleotide variant.
Coding change: c.439-2A>T on transcript NM_030631.4 (MANE Select); the canonical splice acceptor site of the intron before coding-DNA position 439, A replaced by T.
Molecular consequence: splice acceptor variant.
Genome position (GRCh38, 1-based): chr14:36,711,484, T>A on the plus strand (A>T on the coding strand, the complement: SLC25A21 is on the minus strand). VCF-style: chr14-36711484-T-A. GRCh37 (hg19) VCF-style: chr14-37180689-T-A.
Other names: c.439-2A>T (NM_001171170.2).
Identifiers: ClinVar variation 1901236 (VCV001901236.5), dbSNP rs2502386448, ClinGen allele CA389465882.